The following is an entry in ClinVar:

NM_014336.5(AIPL1):c.146T>C (p.Ile49Thr)

Gene: AIPL1 (AIP like 1 HSP90 co-chaperone; minus strand). Cytogenetic location: 17p13.2.
Variant type: single nucleotide variant.
Coding change: c.146T>C on transcript NM_014336.5 (MANE Select); coding-DNA position 146, T replaced by C.
Protein change: p.Ile49Thr; replaces isoleucine 49 with threonine.
Molecular consequence: missense variant. On other transcripts: intron variant (2).
Genome position (GRCh38, 1-based): chr17:6,434,049, A>G on the plus strand (T>C on the coding strand, the complement: AIPL1 is on the minus strand). VCF-style: chr17-6434049-A-G. GRCh37 (hg19) VCF-style: chr17-6337369-A-G.
Other names: c.146T>C, p.Ile49Thr (NM_001033054.3, NM_001285401.3, NM_001285403.4); c.110T>C, p.Ile37Thr (NM_001285399.3); c.29T>C, p.Ile10Thr (NM_001285402.2); c.96+960T>C (NM_001033055.3); c.97-17T>C (NM_001285400.3); short protein forms I49T, I10T, I37T.
Identifiers: ClinVar variation 500998 (VCV000500998.11), dbSNP rs1172466966, ClinGen allele CA397397619.

ClinVar aggregate classification (germline): Uncertain significance. Review status: criteria provided, multiple submitters, no conflicts (2 of 4 stars). 3 submissions from 3 submitters: Uncertain significance (3). Last evaluated 2025-11-07.

Conditions:
Leber congenital amaurosis 4 (LCA4). Identifiers: MedGen C1858386, MONDO:0011458, OMIM 604393.

Allele frequency attached by ClinVar (database versions not stated): TOPMed 0.00002.

Submissions (3):

Women's Health and Genetics/Laboratory Corporation of America, LabCorp
Classification: Uncertain significance. Last evaluated: 2025-11-07. Review status: criteria provided, single submitter. Criteria: LabCorp Variant Classification Summary - May 2015. Collection method: clinical testing. Allele origin: germline.
Comment: Variant summary: AIPL1 c.146T>C (p.Ile49Thr) results in a non-conservative amino acid change in the encoded protein sequence. Algorithms developed to predict the effect of missense changes on protein structure and function all suggest that this variant is likely to be disruptive. The variant was absent in 251306 control chromosomes. The available data on variant occurrences in the general population are insufficient to allow any conclusion about variant significance. c.146T>C has been observed together with a pathogenic variant in an individual affected with an inherited retinal disorder (Gupta_2022). These data do not allow any conclusion about variant significance. To our knowledge, no experimental evidence demonstrating an impact on protein function has been reported. The following publication has been ascertained in the context of this evaluation (PMID: 36284670). ClinVar contains an entry for this variant (Variation ID: 500998). Based on the evidence outlined above, the variant was classified as uncertain significance.

Labcorp Genetics (formerly Invitae), Labcorp
Classification: Uncertain significance for Leber congenital amaurosis 4. Last evaluated: 2022-05-21. Review status: criteria provided, single submitter. Criteria: Invitae Variant Classification Sherloc (09022015). Collection method: clinical testing. Allele origin: germline.
Comment: Algorithms developed to predict the effect of missense changes on protein structure and function are either unavailable or do not agree on the potential impact of this missense change (SIFT: "Deleterious"; PolyPhen-2: "Probably Damaging"; Align-GVGD: "Class C0"). ClinVar contains an entry for this variant (Variation ID: 500998). This variant has not been reported in the literature in individuals affected with AIPL1-related conditions. This variant is not present in population databases (gnomAD no frequency). This sequence change replaces isoleucine, which is neutral and non-polar, with threonine, which is neutral and polar, at codon 49 of the AIPL1 protein (p.Ile49Thr). In summary, the available evidence is currently insufficient to determine the role of this variant in disease. Therefore, it has been classified as a Variant of Uncertain Significance.

Eurofins Ntd Llc (ga)
Classification: Uncertain significance. Last evaluated: 2017-04-14. Review status: criteria provided, single submitter. Criteria: EGL Classification Definitions 2015. Collection method: clinical testing. Allele origin: germline. Observed: 1 variant allele, 1 heterozygote.

Literature cited by the submitters: PubMed 36284670 (cited by Women's Health and Genetics/Laboratory Corporation of America, LabCorp).